The following is an entry in ClinVar:

ClinVar aggregate classification (germline): Uncertain significance (1 of 4 stars; one submission).

Allele frequency attached by ClinVar (database versions not stated): ExAC 0.00002; gnomAD 0.00003; TOPMed 0.00003.
gnomAD v4.1: 15 of 1,613,984 alleles (0.00093%); highest among the groups gnomAD compares: East Asian, 0.0089%; no homozygotes.

Submission:

Labcorp Genetics (formerly Invitae), Labcorp
Classification: Uncertain significance. Last evaluated: 2022-09-28. Review status: criteria provided, single submitter. Criteria: Invitae Variant Classification Sherloc (09022015). Collection method: clinical testing. Allele origin: germline.
Comment: In summary, the available evidence is currently insufficient to determine the role of this variant in disease. Therefore, it has been classified as a Variant of Uncertain Significance. Algorithms developed to predict the effect of missense changes on protein structure and function (SIFT, PolyPhen-2, Align-GVGD) all suggest that this variant is likely to be disruptive. This variant has not been reported in the literature in individuals affected with TECTA-related conditions. This variant is present in population databases (rs780312128, gnomAD 0.01%). This sequence change replaces arginine, which is basic and polar, with glutamine, which is neutral and polar, at codon 1956 of the TECTA protein (p.Arg1956Gln).

NM_005422.4(TECTA):c.5867G>A (p.Arg1956Gln)

Genes: TBCEL-TECTA (TBCEL-TECTA readthrough; plus strand), TECTA (tectorin alpha; plus strand). Cytogenetic location: 11q23.3.
Variant type: single nucleotide variant.
Coding change: c.5867G>A on transcript NM_005422.4 (MANE Select); coding-DNA position 5867, G replaced by A.
Protein change: p.Arg1956Gln; replaces arginine 1956 with glutamine.
Molecular consequence: missense variant.
Genome position (GRCh38, 1-based): chr11:121,168,793, G>A. VCF-style: chr11-121168793-G-A. GRCh37 (hg19) VCF-style: chr11-121039502-G-A.
Other names: c.6809G>A, p.Arg2270Gln (NM_001378761.1); short protein forms R1956Q, R2270Q.
Identifiers: ClinVar variation 1987902 (VCV001987902.4), dbSNP rs780312128, ClinGen allele CA6327836.